The following is an entry in ClinVar:

ClinVar aggregate classification (germline): VUS-high (1 of 4 stars; one submission).

Conditions:
Peripheral neuropathy, autosomal recessive, with or without impaired intellectual development. Identifiers: MedGen C4748283, MONDO:0029131, OMIM 618124.

Submission:

Genetic Diseases Diagnostic Center, Koc University Hospital
Classification: VUS-high for Peripheral neuropathy, autosomal recessive, with or without impaired intellectual development. Last evaluated: 2026-01-31. Review status: criteria provided, single submitter. Criteria: ACMG Guidelines, 2015. Collection method: clinical testing. Allele origin: biparental. Inheritance: Autosomal recessive inheritance. Affected: yes.
Comment: This variant causes an amino acid change from Glu, which is an acidic amino acid, to Val which is nonpolar. In silico prediction tools (PolyPhen, MutationTaster, SIFT) predict the deleterious effect of this missense variant (PP3), and it has not been reported in the population databases (gnomAD, ESP, 1000G) (PM2). This variant co-segregated in a homozygous state in multiple individuals affected by a phenotype highly consistent with MCM3AP-related phenotype (OMIM 618124) in the same family (internal data) (PP1, PP4). In summary, there is insufficient evidence to classify this variant as pathogenic or likely pathogenic. However, considering the internal data, it is classified as “VUS-high” based on the ACMG/AMP criteria.

NM_003906.5(MCM3AP):c.2408A>T (p.Glu803Val)

Gene: MCM3AP (minichromosome maintenance complex component 3 associated protein; minus strand). Cytogenetic location: 21q22.3.
Variant type: single nucleotide variant.
Coding change: c.2408A>T on transcript NM_003906.5 (MANE Select); coding-DNA position 2408, A replaced by T.
Protein change: p.Glu803Val; replaces glutamic acid 803 with valine.
Molecular consequence: missense variant.
Genome position (GRCh38, 1-based): chr21:46,272,618, T>A on the plus strand (A>T on the coding strand, the complement: MCM3AP is on the minus strand). VCF-style: chr21-46272618-T-A. GRCh37 (hg19) VCF-style: chr21-47692532-T-A.
Other names: short protein forms E803V.
Identifiers: ClinVar variation 4795855 (VCV004795855.1).